The following is an entry in ClinVar:

NM_144666.3(DNHD1):c.12770C>A (p.Pro4257His)

Gene: DNHD1 (dynein heavy chain domain 1; plus strand). Cytogenetic location: 11p15.4.
Variant type: single nucleotide variant.
Coding change: c.12770C>A on transcript NM_144666.3 (MANE Select); coding-DNA position 12770, C replaced by A.
Protein change: p.Pro4257His; replaces proline 4257 with histidine.
Molecular consequence: missense variant.
Genome position (GRCh38, 1-based): chr11:6,568,773, C>A. VCF-style: chr11-6568773-C-A. GRCh37 (hg19) VCF-style: chr11-6590003-C-A.
Other names: short protein forms P4257H.
Identifiers: ClinVar variation 791309 (VCV000791309.6), dbSNP rs138517528, ClinGen allele CA5856911.

ClinVar aggregate classification (germline): Conflicting classifications of pathogenicity. Review status: criteria provided, conflicting classifications (1 of 4 stars). 3 submissions from 3 submitters: Uncertain significance (1); Benign (1). 1 of the submissions does not count toward it. Last evaluated 2025-08-02.

Conditions:
DNHD1-related disorder. Also called: DNHD1-related condition.

Allele frequency attached by ClinVar (database versions not stated): 1000 Genomes Project 30x 0.00031; gnomAD exomes 0.00033; 1000 Genomes Project 0.00040; ExAC 0.00049; ESP Exome Variant Server 0.00153; gnomAD 0.00178 and 0.00194; TOPMed 0.00320.
gnomAD v4.1: 488 of 1,613,534 alleles (0.03%); highest among the groups gnomAD compares: African/African-American, 0.57%; 2 homozygotes.

Submissions (3):

Ambry Genetics
Classification: Uncertain significance. Last evaluated: 2025-08-02. Review status: criteria provided, single submitter. Criteria: Ambry Variant Classification Scheme 2023. Collection method: clinical testing. Allele origin: germline.

Labcorp Genetics (formerly Invitae), Labcorp
Classification: Benign. Last evaluated: 2018-09-19. Review status: criteria provided, single submitter. Criteria: Invitae Variant Classification Sherloc (09022015). Collection method: clinical testing. Allele origin: germline.

PreventionGenetics, part of Exact Sciences
Classification: Likely benign for DNHD1-related condition. Last evaluated: 2019-09-26. Review status: no assertion criteria provided. Collection method: clinical testing. Allele origin: germline. Not counted in ClinVar's aggregate classification.
Comment: This variant is classified as likely benign based on ACMG/AMP sequence variant interpretation guidelines (Richards et al. 2015 PMID: 25741868, with internal and published modifications).